The following is an entry in ClinVar:

ClinVar aggregate classification (germline): Uncertain significance (1 of 4 stars; one submission).

Conditions:
RASopathy. Also called: rasopathies; Noonan spectrum disorder. Identifiers: Orphanet 536391, MedGen C5555857, MONDO:0021060.

Submission:

Labcorp Genetics (formerly Invitae), Labcorp
Classification: Uncertain significance for RASopathy. Last evaluated: 2024-08-28. Review status: criteria provided, single submitter. Criteria: Invitae Variant Classification Sherloc (09022015). Collection method: clinical testing. Allele origin: germline.
Comment: This sequence change replaces arginine, which is basic and polar, with glutamine, which is neutral and polar, at codon 20 of the SOS1 protein (p.Arg20Gln). This variant is not present in population databases (gnomAD no frequency). This variant has not been reported in the literature in individuals affected with SOS1-related conditions. Invitae Evidence Modeling of protein sequence and biophysical properties (such as structural, functional, and spatial information, amino acid conservation, physicochemical variation, residue mobility, and thermodynamic stability) indicates that this missense variant is expected to disrupt SOS1 protein function with a positive predictive value of 80%. In summary, the available evidence is currently insufficient to determine the role of this variant in disease. Therefore, it has been classified as a Variant of Uncertain Significance.

NM_005633.4(SOS1):c.59G>A (p.Arg20Gln)

Genes: SOS1 (SOS Ras/Rac guanine nucleotide exchange factor 1; minus strand), LOC129933535 (ATAC-STARR-seq lymphoblastoid silent region 11384; plus strand). Cytogenetic location: 2p22.1.
Variant type: single nucleotide variant.
Coding change: c.59G>A on transcript NM_005633.4 (MANE Select); coding-DNA position 59, G replaced by A.
Protein change: p.Arg20Gln; replaces arginine 20 with glutamine.
Molecular consequence: missense variant. On other transcripts: intron variant (1).
Genome position (GRCh38, 1-based): chr2:39,120,364, C>T on the plus strand (G>A on the coding strand, the complement: SOS1 is on the minus strand). VCF-style: chr2-39120364-C-T. GRCh37 (hg19) VCF-style: chr2-39347505-C-T.
Other names: c.59G>A, p.Arg20Gln (NM_001382395.1); c.66+4300G>A (NM_001382394.1); short protein forms R20Q.
Identifiers: ClinVar variation 3633901 (VCV003633901.2).